The following is an entry in ClinVar:

NM_005751.5(AKAP9):c.2465T>C (p.Ile822Thr)

Gene: AKAP9 (A-kinase anchoring protein 9; plus strand). Cytogenetic location: 7q21.2.
Variant type: single nucleotide variant.
Coding change: c.2465T>C on transcript NM_005751.5 (MANE Select); coding-DNA position 2465, T replaced by C.
Protein change: p.Ile822Thr; replaces isoleucine 822 with threonine.
Molecular consequence: missense variant.
Genome position (GRCh38, 1-based): chr7:92,002,382, T>C. VCF-style: chr7-92002382-T-C. GRCh37 (hg19) VCF-style: chr7-91631696-T-C.
Other names: c.2465T>C, p.Ile822Thr (NM_147185.3); short protein forms I822T.
Identifiers: ClinVar variation 3225029 (VCV003225029.1), dbSNP rs1033544238, ClinGen allele CA161907988.

ClinVar aggregate classification (germline): Uncertain significance (1 of 4 stars; one submission).

Conditions:
Cardiovascular phenotype. Identifiers: MedGen CN230736.

Allele frequency attached by ClinVar (database versions not stated): gnomAD 0.00001; gnomAD exomes 0.00001.
gnomAD v4.1: 15 of 1,610,968 alleles (0.00093%); highest among the groups gnomAD compares: African/African-American, 0.004%; no homozygotes.

Submission:

Ambry Genetics
Classification: Uncertain significance for Cardiovascular phenotype. Last evaluated: 2023-12-29. Review status: criteria provided, single submitter. Criteria: Ambry Variant Classification Scheme 2023. Collection method: clinical testing. Allele origin: germline.
Comment: The p.I822T variant (also known as c.2465T>C), located in coding exon 8 of the AKAP9 gene, results from a T to C substitution at nucleotide position 2465. The isoleucine at codon 822 is replaced by threonine, an amino acid with similar properties. This amino acid position is conserved. In addition, this alteration is predicted to be tolerated by in silico analysis. Since supporting evidence is limited at this time, the clinical significance of this alteration remains unclear.